The following is an entry in ClinVar:

ClinVar aggregate classification (germline): Uncertain significance (1 of 4 stars; one submission).

Conditions:
Autosomal recessive osteopetrosis 4. Also called: CLCN7-Related Osteopetrosis; infantile malignant CLCN7-related recessive osteopetrosis. Identifiers: Orphanet 667, MedGen C1969106, MONDO:0012676, OMIM 611490.

Submission:

Department of Traditional Chinese Medicine, Fujian Provincial Hospital
Classification: Uncertain significance for Autosomal recessive osteopetrosis 4. Review status: criteria provided, single submitter. Criteria: ACMG Guidelines, 2015. Collection method: research. Allele origin: inherited.
Comment: The mutation site NM_001287.6(CLCN7):c.841A>G (p.Arg281Gly) was found in patients with growth retardation by Next-generation sequencing. According to ACMG guidelines, the mutation was in line with PM2_Supporting (Absent from controls in Exome Sequencing Project, 1000 Genomes or ExAC.); PM3 (For recessive disorders, detected in trans with a pathogenic variant.) and PP3 (Multiple lines of computational evidence support a deleterious effect on the gene or gene product.), so this mutation point is considered to be unclear.

Literature cited by the submitters: PubMed 14584882.

NM_001287.6(CLCN7):c.841A>G (p.Arg281Gly)

Gene: CLCN7 (Cl-/H+ antiporter 7; minus strand). Cytogenetic location: 16p13.3.
Variant type: single nucleotide variant.
Coding change: c.841A>G on transcript NM_001287.6 (MANE Select); coding-DNA position 841, A replaced by G.
Protein change: p.Arg281Gly; replaces arginine 281 with glycine.
Molecular consequence: missense variant.
Genome position (GRCh38, 1-based): chr16:1,456,188, T>C on the plus strand (A>G on the coding strand, the complement: CLCN7 is on the minus strand). VCF-style: chr16-1456188-T-C. GRCh37 (hg19) VCF-style: chr16-1506189-T-C.
Other names: c.769A>G, p.Arg257Gly (NM_001114331.3); short protein forms R257G, R281G.
Identifiers: ClinVar variation 4082253 (VCV004082253.1).
Genomic context (GRCh38, chr16:1,456,188, plus strand): 5'-ACGCCGCTGACACTCCGGCCGCAGCCCCTGCGGAGACGAAGTCCCGCTTCTCTGTGTCTC[T>C]GCGGAAGTACTCGAAGATCTGCAACAGGGACAGACCAGGGTCGGGGCAGGTTCCTTGAGG-3'
Protein context (NP_001278.1, residues 271-291): RDFKIFEYFR[Arg281Gly]DTEKRDFVSA